The following is an entry in ClinVar:

ClinVar aggregate classification (germline): Pathogenic (1 of 4 stars; one submission).

Submission:

GeneDx
Classification: Pathogenic. Last evaluated: 2018-05-08. Review status: criteria provided, single submitter. Criteria: GeneDx Variant Classification (06012015). Collection method: clinical testing. Allele origin: germline. Affected: yes.
Comment: The Y102X variant in the EDNRB gene has not been reported previously as a pathogenic variant nor as a benign variant, to our knowledge. This variant is predicted to cause loss of normal protein function either through protein truncation or nonsense-mediated mRNA decay. The Y102X variant is not observed in large population cohorts (Lek et al., 2016). We interpret Y102X as a pathogenic variant.

NM_001122659.3(EDNRB):c.306C>A (p.Tyr102Ter)

Gene: EDNRB (endothelin receptor type B; minus strand). Cytogenetic location: 13q22.3.
Variant type: single nucleotide variant.
Coding change: c.306C>A on transcript NM_001122659.3 (MANE Select); coding-DNA position 306, C replaced by A.
Protein change: p.Tyr102Ter; replaces tyrosine 102 with a stop codon.
Molecular consequence: nonsense.
Genome position (GRCh38, 1-based): chr13:77,918,268, G>T on the plus strand (C>A on the coding strand, the complement: EDNRB is on the minus strand). VCF-style: chr13-77918268-G-T. GRCh37 (hg19) VCF-style: chr13-78492403-G-T.
Other names: c.306C>A, p.Tyr102Ter (NM_000115.5, NM_003991.4); c.576C>A, p.Tyr192Ter (NM_001201397.2); short protein forms Y102*, Y192*.
Identifiers: ClinVar variation 546018 (VCV000546018.2), dbSNP rs1064797178, ClinGen allele CA388452617.